The following is an entry in ClinVar:

ClinVar aggregate classification (germline): Uncertain significance (1 of 4 stars; one submission).

Submission:

Dasa
Classification: Uncertain significance. Last evaluated: 2025-05-17. Review status: criteria provided, single submitter. Criteria: DASA Assertion Criteria. Collection method: clinical testing. Allele origin: germline.
Comment: NM_001429.4(EP300):c.5677G>A (p.Ala1893Thr) is a missense variant that results in the substitution of alanine with threonine. This variant is absent from population databases. Computational prediction algorithms are consistent with a benign effect. The currently available literature and clinical evidence are not sufficient to establish a definitive association between this variant and the reported condition. Therefore, this variant is classified as a variant of uncertain significance.

NM_001429.4(EP300):c.5677G>A (p.Ala1893Thr)

Gene: EP300 (EP300 lysine acetyltransferase; plus strand). Cytogenetic location: 22q13.2.
Variant type: single nucleotide variant.
Coding change: c.5677G>A on transcript NM_001429.4 (MANE Select); coding-DNA position 5677, G replaced by A.
Protein change: p.Ala1893Thr; replaces alanine 1893 with threonine.
Molecular consequence: missense variant.
Genome position (GRCh38, 1-based): chr22:41,177,388, G>A. VCF-style: chr22-41177388-G-A. GRCh37 (hg19) VCF-style: chr22-41573392-G-A.
Other names: c.5599G>A, p.Ala1867Thr (NM_001362843.2); short protein forms A1867T, A1893T.
Identifiers: ClinVar variation 4883799 (VCV004883799.2).